The following is an entry in ClinVar:

ClinVar aggregate classification (germline): Likely pathogenic (1 of 4 stars; one submission).

Conditions:
Spondyloepiphyseal dysplasia, kondo-fu type. Also called: SED WITH ELEVATED BLOOD LYSOSOMAL ENZYMES; MBTPS1-Related Spondyloepimetaphyseal Dysplasia with Elevated Lysosomal Enzymes. Identifiers: MedGen C5193071, MONDO:0032721, OMIM 618392.

Submission:

First Genomix Gene Laboratory, Genetic Diagnostics Department
Classification: Likely pathogenic for Spondyloepiphyseal dysplasia, kondo-fu type. Last evaluated: 2025-06-02. Review status: criteria provided, single submitter. Criteria: ACMG Guidelines, 2015. Collection method: clinical testing. Allele origin: germline. Inheritance: Autosomal recessive inheritance. Affected: no. Observed: 1 variant allele.

NM_003791.4(MBTPS1):c.2781T>A (p.Cys927Ter)

Gene: MBTPS1 (membrane bound transcription factor peptidase, site 1; minus strand). Cytogenetic location: 16q23.3.
Variant type: single nucleotide variant.
Coding change: c.2781T>A on transcript NM_003791.4 (MANE Select); coding-DNA position 2781, T replaced by A.
Protein change: p.Cys927Ter; replaces cysteine 927 with a stop codon.
Molecular consequence: nonsense.
Genome position (GRCh38, 1-based): chr16:84,059,352, A>T on the plus strand (T>A on the coding strand, the complement: MBTPS1 is on the minus strand). VCF-style: chr16-84059352-A-T. GRCh37 (hg19) VCF-style: chr16-84092957-A-T.
Other names: short protein forms C927*.
Identifiers: ClinVar variation 4849444 (VCV004849444.1).
Genomic context (GRCh38, chr16:84,059,352, plus strand): 5'-GGACACTAACCTGGGCGCCGTCTCGTTTAAAGGCTGTGGCTTGGCCCAAGACAAGCGTGG[A>T]CAGGCTGGTAGAGGCCGAGGTTTTGGGTCTCCCAAATGGGCCTCCAGAACCTTGGAGTAC-3'